The following is an entry in ClinVar:

ClinVar aggregate classification (germline): Uncertain significance (1 of 4 stars; one submission).

Conditions:
Ataxia-telangiectasia syndrome (AT). Also called: Ataxia telangiectasia (A-T); Cerebello-oculocutaneous telangiectasia; Immunodeficiency with ataxia telangiectasia; AT, COMPLEMENTATION GROUP C; ATAXIA-TELANGIECTASIA, COMPLEMENTATION GROUP A; ATAXIA-TELANGIECTASIA, FRESNO VARIANT. Identifiers: Orphanet 100, MedGen C0004135, MONDO:0008840, OMIM 208900.

Submission:

Labcorp Genetics (formerly Invitae), Labcorp
Classification: Uncertain significance for Ataxia-telangiectasia syndrome. Last evaluated: 2019-12-04. Review status: criteria provided, single submitter. Criteria: Invitae Variant Classification Sherloc (09022015). Collection method: clinical testing. Allele origin: germline.
Comment: In summary, the available evidence is currently insufficient to determine the role of this variant in disease. Therefore, it has been classified as a Variant of Uncertain Significance. Algorithms developed to predict the effect of missense changes on protein structure and function are either unavailable or do not agree on the potential impact of this missense change (SIFT: "Deleterious"; PolyPhen-2: "Benign"; Align-GVGD: "Class C0"). This variant has not been reported in the literature in individuals with ATM-related conditions. This variant is not present in population databases (ExAC no frequency). This sequence change replaces proline with histidine at codon 444 of the ATM protein (p.Pro444His). The proline residue is weakly conserved and there is a moderate physicochemical difference between proline and histidine.

NM_000051.4(ATM):c.1331C>A (p.Pro444His)

Gene: ATM (ATM serine/threonine kinase; plus strand). Cytogenetic location: 11q22.3.
Variant type: single nucleotide variant.
Coding change: c.1331C>A on transcript NM_000051.4 (MANE Select); coding-DNA position 1331, C replaced by A.
Protein change: p.Pro444His; replaces proline 444 with histidine.
Molecular consequence: missense variant.
Genome position (GRCh38, 1-based): chr11:108,250,796, C>A. VCF-style: chr11-108250796-C-A. GRCh37 (hg19) VCF-style: chr11-108121523-C-A.
Other names: c.1331C>A, p.Pro444His (NM_001351834.2); short protein forms P444H.
Identifiers: ClinVar variation 857914 (VCV000857914.9), dbSNP rs2080096939, ClinGen allele CA382533705.